The following is an entry in ClinVar:

NC_000001.10:g.(?_183155488)_(183177224_?)del

Gene: LAMC2 (laminin subunit gamma 2; plus strand). Cytogenetic location: 1q25.3.
Variant type: Deletion.
Identifiers: ClinVar variation 3247970 (VCV003247970.1).

ClinVar aggregate classification (germline): Pathogenic (1 of 4 stars; one submission).

Submission:

Labcorp Genetics (formerly Invitae), Labcorp
Classification: Pathogenic. Last evaluated: 2023-05-28. Review status: criteria provided, single submitter. Criteria: Invitae Variant Classification Sherloc (09022015). Collection method: clinical testing. Allele origin: unknown.
Comment: For these reasons, this variant has been classified as Pathogenic. This variant has not been reported in the literature in individuals affected with LAMC2-related conditions. This variant is a gross deletion of the genomic region encompassing exon(s) 1-2 of the LAMC2 gene, which includes the initiator codon. This deletion extends beyond the assayed region for this gene and therefore may encompass additional genes. It is expected to result in an absent or disrupted protein product. Loss-of-function variants in LAMC2 are known to be pathogenic (PMID: 11907499, 16473856).

Literature cited by the submitters: PubMed 11907499; PubMed 16473856.